The following is an entry in ClinVar:

NM_016333.4(SRRM2):c.48C>G (p.Asn16Lys)

Gene: SRRM2 (serine/arginine repetitive matrix 2; plus strand). Cytogenetic location: 16p13.3.
Variant type: single nucleotide variant.
Coding change: c.48C>G on transcript NM_016333.4 (MANE Select); coding-DNA position 48, C replaced by G.
Protein change: p.Asn16Lys; replaces asparagine 16 with lysine.
Molecular consequence: missense variant.
Genome position (GRCh38, 1-based): chr16:2,756,412, C>G. VCF-style: chr16-2756412-C-G. GRCh37 (hg19) VCF-style: chr16-2806413-C-G.
Other names: short protein forms N16K.
Identifiers: ClinVar variation 3899063 (VCV003899063.1).

ClinVar aggregate classification (germline): Uncertain significance (1 of 4 stars; one submission).

Submission:

GeneDx
Classification: Uncertain significance. Last evaluated: 2024-11-05. Review status: criteria provided, single submitter. Criteria: GeneDx Variant Classification Process June 2021. Collection method: clinical testing. Allele origin: germline. Affected: yes.
Comment: Not observed at significant frequency in large population cohorts (gnomAD); In silico analysis supports that this missense variant has a deleterious effect on protein structure/function; Has not been previously published as pathogenic or benign to our knowledge